The following is an entry in ClinVar:

NM_003560.4(PLA2G6):c.1627C>T (p.Arg543Cys)

Gene: PLA2G6 (phospholipase A2 group VI; minus strand). Cytogenetic location: 22q13.1.
Variant type: single nucleotide variant.
Coding change: c.1627C>T on transcript NM_003560.4 (MANE Select); coding-DNA position 1627, C replaced by T.
Protein change: p.Arg543Cys; replaces arginine 543 with cysteine.
Molecular consequence: missense variant.
Genome position (GRCh38, 1-based): chr22:38,120,874, G>A on the plus strand (C>T on the coding strand, the complement: PLA2G6 is on the minus strand). VCF-style: chr22-38120874-G-A. GRCh37 (hg19) VCF-style: chr22-38516881-G-A.
Other names: NM_003560.4(PLA2G6):c.1627C>T; p.Arg543Cys; c.1465C>T, p.Arg489Cys (NM_001004426.3, NM_001199562.3, NM_001349865.2 and 1 more transcripts); c.1627C>T, p.Arg543Cys (NM_001349864.2); c.1093C>T, p.Arg365Cys (NM_001349867.2); c.949C>T, p.Arg317Cys (NM_001349868.2); c.931C>T, p.Arg311Cys (NM_001349869.2); short protein forms R311C, R317C, R543C, R365C, R489C.
Identifiers: ClinVar variation 871834 (VCV000871834.44), dbSNP rs753874848, ClinGen allele CA10230787.

ClinVar aggregate classification (germline): Pathogenic/Likely pathogenic. Review status: criteria provided, multiple submitters, no conflicts (2 of 4 stars). 3 submissions from 3 submitters: Pathogenic (2); Likely pathogenic (1). Last evaluated 2026-08-01.

Conditions:
PLA2G6-associated neurodegeneration (PLAN). Also called: phospholipase A2-associated neurodegeneration. Identifiers: Orphanet 329303, MedGen CN204472, MONDO:0017998.
Infantile neuroaxonal dystrophy (NBIA2A). Also called: NEURODEGENERATION WITH BRAIN IRON ACCUMULATION 2A; SEITELBERGER DISEASE; Infantile neuroaxonal dystrophy 1. Identifiers: Orphanet 35069, MedGen C0270724, MONDO:0024457, OMIM 256600.

Allele frequency attached by ClinVar (database versions not stated): ExAC 0.00001; gnomAD 0.00001; gnomAD exomes 0.00001; TOPMed 0.00001.
gnomAD v4.1: 18 of 1,613,704 alleles (0.0011%); highest among the groups gnomAD compares: South Asian, 0.0022%; no homozygotes.

Submissions (3):

CeGaT Center for Human Genetics Tuebingen
Classification: Pathogenic. Last evaluated: 2026-08-01. Review status: criteria provided, single submitter. Criteria: CeGaT Center For Human Genetics Tuebingen Variant Classification Criteria Version 2. Collection method: clinical testing. Allele origin: germline. Affected: yes. Observed: 2 variant alleles.
Comment: PLA2G6: PM3:Strong, PM1, PM2, PP1, PP3

Labcorp Genetics (formerly Invitae), Labcorp
Classification: Pathogenic for Infantile neuroaxonal dystrophy. Last evaluated: 2024-04-16. Review status: criteria provided, single submitter. Criteria: Invitae Variant Classification Sherloc (09022015). Collection method: clinical testing. Allele origin: germline.
Comment: This sequence change replaces arginine, which is basic and polar, with cysteine, which is neutral and slightly polar, at codon 543 of the PLA2G6 protein (p.Arg543Cys). This variant is present in population databases (rs753874848, gnomAD 0.003%). This missense change has been observed in individual(s) with Parkinson‚Äö√Ñ√¥s disease (PMID: 27709683, 34307755). In at least one individual the data is consistent with being in trans (on the opposite chromosome) from a pathogenic variant. It has also been observed to segregate with disease in related individuals. ClinVar contains an entry for this variant (Variation ID: 871834). Advanced modeling of protein sequence and biophysical properties (such as structural, functional, and spatial information, amino acid conservation, physicochemical variation, residue mobility, and thermodynamic stability) has been performed at Invitae for this missense variant, however the output from this modeling did not meet the statistical confidence thresholds required to predict the impact of this variant on PLA2G6 protein function. For these reasons, this variant has been classified as Pathogenic.

Broad Center for Mendelian Genomics, Broad Institute of MIT and Harvard
Classification: Likely pathogenic for PLA2G6-associated neurodegeneration. Last evaluated: 2023-01-24. Review status: criteria provided, single submitter. Criteria: ACMG Guidelines, 2015. Collection method: curation. Allele origin: germline. Inheritance: Autosomal recessive inheritance.
Comment: The p.Arg543Cys variant in PLA2G6 has been reported in 2 individuals with PLA2G6-associated neurodegeneration (PMID: 27709683, 34307755), segregated with disease in 1 affected relative from 1 family (PMID: 27709683), and has been identified in 0.003% (1/30616) of South Asian chromosomes by the Genome Aggregation Database (gnomAD; dbSNP ID: rs753874848). Although this variant has been seen in the general population in a heterozygous state, its frequency is low enough to be consistent with a recessive carrier frequency. This variant has also been reported in ClinVar (Variation ID#: 871834) and has been interpreted as pathogenic by CeGaT Praxis fuer Humangenetik Tuebingen. Of the 2 affected individuals, 1 was a compound heterozygote that carried a reported likely pathogenic variant in trans, which increases the likelihood that the p.Arg543Cys variant is pathogenic (VariationID: 159768; PMID: 27709683). Computational prediction tools and conservation analyses suggest that this variant may impact the protein, though this information is not predictive enough to determine pathogenicity. The phenotype of an individual compound heterozygous for this variant is highly specific for PLA2G6-associated neurodegeneration based on brain iron accumulation on MRI consistent with disease (PMID: 34307755). In summary, although additional studies are required to fully establish its clinical significance, this variant is likely pathogenic for autosomal recessive PLA2G6-associated neurodegeneration. ACMG/AMP Criteria applied: PM2, PP3, PM3, PP4 (Richards 2015).

Literature cited by the submitters: PubMed 27709683 (cited by Labcorp Genetics (formerly Invitae), Labcorp); PubMed 34307755 (cited by Labcorp Genetics (formerly Invitae), Labcorp).